The following is an entry in ClinVar:

NM_001244926.2(PRPF4):c.490A>G (p.Thr164Ala)

Gene: PRPF4 (pre-mRNA splicing tri-snRNP complex factor PRPF4; plus strand). Cytogenetic location: 9q32.
Variant type: single nucleotide variant.
Coding change: c.490A>G on transcript NM_001244926.2 (MANE Select); coding-DNA position 490, A replaced by G.
Protein change: p.Thr164Ala; replaces threonine 164 with alanine.
Molecular consequence: missense variant. On other transcripts: 5 prime UTR variant (2), non-coding transcript variant (2).
Genome position (GRCh38, 1-based): chr9:113,283,141, A>G. VCF-style: chr9-113283141-A-G. GRCh37 (hg19) VCF-style: chr9-116045421-A-G.
Other names: c.-276A>G (NM_001322266.2, NM_001322267.2); c.493A>G, p.Thr165Ala (NM_004697.5); short protein forms T164A, T165A.
Identifiers: ClinVar variation 2982974 (VCV002982974.3), dbSNP rs1832331506, ClinGen allele CA374552925.

ClinVar aggregate classification (germline): Uncertain significance (1 of 4 stars; one submission).

Allele frequency attached by ClinVar (database versions not stated): gnomAD exomes below 0.00001; gnomAD 0.00001.
gnomAD v4.1: 2 of 1,614,026 alleles (0.00012%); highest among the groups gnomAD compares: South Asian, 0.0011%; no homozygotes.

Submission:

Labcorp Genetics (formerly Invitae), Labcorp
Classification: Uncertain significance. Last evaluated: 2023-11-20. Review status: criteria provided, single submitter. Criteria: Invitae Variant Classification Sherloc (09022015). Collection method: clinical testing. Allele origin: germline.
Comment: This sequence change replaces threonine, which is neutral and polar, with alanine, which is neutral and non-polar, at codon 165 of the PRPF4 protein (p.Thr165Ala). This variant is not present in population databases (gnomAD no frequency). This variant has not been reported in the literature in individuals affected with PRPF4-related conditions. An algorithm developed to predict the effect of missense changes on protein structure and function (PolyPhen-2) suggests that this variant is likely to be tolerated. In summary, the available evidence is currently insufficient to determine the role of this variant in disease. Therefore, it has been classified as a Variant of Uncertain Significance.